The following is an entry in ClinVar:

ClinVar aggregate classification (germline): Uncertain significance (1 of 4 stars; one submission).

Conditions:
Neuropathy, hereditary motor and sensory, type 6B (HMSN6B). Also called: HMSN VIB; CHARCOT-MARIE-TOOTH DISEASE, TYPE 6B; NEUROPATHY, HEREDITARY MOTOR AND SENSORY, TYPE VIB, WITH OPTIC ATROPHY; Neuropathy, hereditary motor and sensory, type VIB. Identifiers: MedGen C4225302, MONDO:0014671, OMIM 616505.

Submission:

Labcorp Genetics (formerly Invitae), Labcorp
Classification: Uncertain significance for Neuropathy, hereditary motor and sensory, type 6B. Last evaluated: 2021-08-24. Review status: criteria provided, single submitter. Criteria: Invitae Variant Classification Sherloc (09022015). Collection method: clinical testing. Allele origin: germline.
Comment: This sequence change replaces phenylalanine with leucine at codon 28 of the SLC25A46 protein (p.Phe28Leu). The phenylalanine residue is weakly conserved and there is a small physicochemical difference between phenylalanine and leucine. This variant is not present in population databases (ExAC no frequency). This variant has not been reported in the literature in individuals affected with SLC25A46-related conditions. Algorithms developed to predict the effect of missense changes on protein structure and function (SIFT, PolyPhen-2, Align-GVGD) all suggest that this variant is likely to be tolerated. In summary, the available evidence is currently insufficient to determine the role of this variant in disease. Therefore, it has been classified as a Variant of Uncertain Significance.

NM_138773.4(SLC25A46):c.84C>G (p.Phe28Leu)

Gene: SLC25A46 (solute carrier family 25 member 46; plus strand). Cytogenetic location: 5q22.1.
Variant type: single nucleotide variant.
Coding change: c.84C>G on transcript NM_138773.4 (MANE Select); coding-DNA position 84, C replaced by G.
Protein change: p.Phe28Leu; replaces phenylalanine 28 with leucine.
Molecular consequence: missense variant. On other transcripts: non-coding transcript variant (1), intron variant (1).
Genome position (GRCh38, 1-based): chr5:110,739,203, C>G. VCF-style: chr5-110739203-C-G. GRCh37 (hg19) VCF-style: chr5-110074904-C-G.
Other names: c.84C>G, p.Phe28Leu (NM_001303249.3); c.10+956C>G (NM_001303250.3); short protein forms F28L.
Identifiers: ClinVar variation 1486636 (VCV001486636.5), dbSNP rs1460019948, ClinGen allele CA360693112.
Genomic context (GRCh38, chr5:110,739,203, plus strand): 5'-ATTTGATGGCTTGGGCTACCGGGGTGGTGCCCGGGACGAGCAGGGCTTTGGCGGCGCCTT[C>G]CCTGCAAGGTCCTTCAGCACCGGGTCGGACCTGGGCCACTGGGTGACGACTCCCCCAGAT-3'
Protein context (NP_620128.1, residues 18-38): ARDEQGFGGA[Phe28Leu]PARSFSTGSD